The following is an entry in ClinVar:

ClinVar aggregate classification (germline): Uncertain significance (1 of 4 stars; one submission).

gnomAD v4.1: 5 of 1,575,474 alleles (0.00032%); highest among the groups gnomAD compares: East Asian, 0.0047%; no homozygotes.

Submission:

Women's Health and Genetics/Laboratory Corporation of America, LabCorp
Classification: Uncertain significance. Last evaluated: 2025-06-05. Review status: criteria provided, single submitter. Criteria: LabCorp Variant Classification Summary - May 2015. Collection method: clinical testing. Allele origin: germline.
Comment: Variant summary: NBEAL2 c.3230G>C (p.Arg1077Pro) results in a non-conservative amino acid change in the encoded protein sequence. Algorithms developed to predict the effect of missense changes on protein structure and function are either unavailable or do not agree on the potential impact of this missense change. The frequency data for this variant in gnomAD is considered unreliable, as metrics indicate poor data quality at this position. To our knowledge, no occurrence of c.3230G>C in individuals affected with Gray Platelet Syndrome and no experimental evidence demonstrating its impact on protein function have been reported. No submitters have cited clinical-significance assessments for this variant to ClinVar. Based on the evidence outlined above, the variant was classified as uncertain significance.

NM_015175.3(NBEAL2):c.3230G>C (p.Arg1077Pro)

Gene: NBEAL2 (neurobeachin like 2; plus strand). Cytogenetic location: 3p21.31.
Variant type: single nucleotide variant.
Coding change: c.3230G>C on transcript NM_015175.3 (MANE Select); coding-DNA position 3230, G replaced by C.
Protein change: p.Arg1077Pro; replaces arginine 1077 with proline.
Molecular consequence: missense variant.
Genome position (GRCh38, 1-based): chr3:46,998,725, G>C. VCF-style: chr3-46998725-G-C. GRCh37 (hg19) VCF-style: chr3-47040215-G-C.
Other names: c.3128G>C, p.Arg1043Pro (NM_001365116.2); short protein forms R1043P, R1077P.
Identifiers: ClinVar variation 3907346 (VCV003907346.1).